The following is an entry in ClinVar:

ClinVar aggregate classification (germline): Conflicting classifications of pathogenicity. Review status: criteria provided, conflicting classifications (1 of 4 stars). 3 submissions from 3 submitters: Likely pathogenic (1); Uncertain significance (2). Last evaluated 2018-12-19.

Conditions:
Hypertrophic cardiomyopathy. Also called: HYPERTROPHIC MYOCARDIOPATHY. Identifiers: Orphanet 217569, MedGen C0007194, MeSH D002312, MONDO:0005045, HP:0001639.

Submissions (3):

GeneDx
Classification: Likely pathogenic. Last evaluated: 2018-12-19. Review status: criteria provided, single submitter. Criteria: GeneDx Variant Classification (06012015). Collection method: clinical testing. Allele origin: germline. Affected: yes.
Comment: A novel F718C variant that is likely pathogenic was identified in the MYH7 gene. It has not been published as pathogenic or been reported as a benign polymorphism to our knowledge. The F718C variant was not observed in approximately 6,500 individuals of European and African American ancestry in an external variant database, indicating it is not a common benign variant in these populations. Located in the myosin motor domain of MYH7, the F718C variant is a non-conservative amino acid substitution, which is likely to impact secondary protein structure as these residues differ in polarity, charge, size and/or other properties. This substitution occurs at a position that is highly conserved across species. In silico analysis predicts this variant is probably damaging to the protein structure/function. Missense variants in nearby residues (G716A, G716R, R719Q, R719P, R719W) have been reported in the Human Gene Mutation Database in association with HCM (Stenson et al., 2014), supporting the functional importance of this region of the protein. Therefore, this is a strong candidate for a pathogenic variant, however the possibility that it is a benign variant cannot be excluded.

Labcorp Genetics (formerly Invitae), Labcorp
Classification: Uncertain significance for Hypertrophic cardiomyopathy. Last evaluated: 2017-01-15. Review status: criteria provided, single submitter. Criteria: Invitae Variant Classification Sherloc (09022015). Collection method: clinical testing. Allele origin: germline.
Comment: In summary, this variant is a novel missense change with uncertain impact on protein function. It has been classified as a Variant of Uncertain Significance. A computational algorithm designed to assess the pathogenicity of variants in MYH7 with regard to hypertrophic cardiomyopathy predicted this sequence change to be deleterious. The algorithm has a sensitivity of 94% and a specificity of 89% (PMID: 21310275). This variant is not present in population databases (ExAC no frequency) and has not been reported in the literature in individuals with a MYH7-related disease. This sequence change replaces phenylalanine with cysteine at codon 718 of the MYH7 protein (p.Phe718Cys). The phenylalanine residue is highly conserved and there is a large physicochemical difference between phenylalanine and cysteine.

Stanford Center for Inherited Cardiovascular Disease, Stanford University
Classification: Uncertain significance. Last evaluated: 2016-09-02. Review status: criteria provided, single submitter. Criteria: ACMG Guidelines, 2015. Collection method: provider interpretation. Allele origin: germline.

Literature cited by the submitters: PubMed 21310275 (cited by Labcorp Genetics (formerly Invitae), Labcorp).

NM_000257.4(MYH7):c.2153T>G (p.Phe718Cys)

Gene: MYH7 (myosin heavy chain 7; minus strand). Cytogenetic location: 14q11.2.
Variant type: single nucleotide variant.
Coding change: c.2153T>G on transcript NM_000257.4 (MANE Select); coding-DNA position 2153, T replaced by G.
Protein change: p.Phe718Cys; replaces phenylalanine 718 with cysteine.
Molecular consequence: missense variant.
Genome position (GRCh38, 1-based): chr14:23,425,973, A>C on the plus strand (T>G on the coding strand, the complement: MYH7 is on the minus strand). VCF-style: chr14-23425973-A-C. GRCh37 (hg19) VCF-style: chr14-23895182-A-C.
Other names: c.2153T>G (LRG_384t1); short protein forms F718C.
Identifiers: ClinVar variation 407165 (VCV000407165.13), dbSNP rs1060501432, ClinGen allele CA16614412.